The following is an entry in ClinVar:

ClinVar aggregate classification (germline): Pathogenic/Likely pathogenic. Review status: criteria provided, multiple submitters, no conflicts (2 of 4 stars). 9 submissions from 9 submitters: Pathogenic (7); Likely pathogenic (2). Last evaluated 2026-01-22.

Conditions:
Pigmentary retinal dystrophy. Also called: Fundus albipunctatus. Identifiers: Orphanet 227796, Orphanet 52427, MedGen C0311338, MONDO:0007639, OMIM 136880, HP:0030642.
Bothnia retinal dystrophy. Also called: VASTERBOTTEN DYSTROPHY. Identifiers: Orphanet 85128, MedGen C1843816, MONDO:0011838, OMIM 607475.
Newfoundland cone-rod dystrophy. Identifiers: MedGen C1843815, MONDO:0011839, OMIM 607476.
RLBP1-related disorder. Also called: RLBP1-related disorders; RLBP1-related condition. Identifiers: MedGen CN239413.
Retinitis pigmentosa (RP). Identifiers: Orphanet 791, MedGen C0035334, MeSH D012174, MONDO:0019200, OMIM 268000. Inheritance: Autosomal dominant, autosomal recessive and X linked inheritance.

Allele frequency attached by ClinVar (database versions not stated): gnomAD 0.00001; gnomAD exomes 0.00001 and 0.00009; TOPMed 0.00002; ExAC 0.00009.

Submissions (9):

Labcorp Genetics (formerly Invitae), Labcorp
Classification: Pathogenic. Last evaluated: 2026-01-22. Review status: criteria provided, single submitter. Criteria: Invitae Variant Classification Sherloc (09022015). Collection method: clinical testing. Allele origin: germline.
Comment: This sequence change creates a premature translational stop signal (p.Phe95Serfs*24) in the RLBP1 gene. It is expected to result in an absent or disrupted protein product. Loss-of-function variants in RLBP1 are known to be pathogenic (PMID: 2392416, 11301032, 21447491, 25429852). This variant is present in population databases (rs759505780, gnomAD 0.1%). This premature translational stop signal has been observed in individual(s) with RLBP1-related conditions (PMID: 25356976, 31872526). ClinVar contains an entry for this variant (Variation ID: 844049). For these reasons, this variant has been classified as Pathogenic.

PreventionGenetics, part of Exact Sciences
Classification: Pathogenic for RLBP1-related condition. Last evaluated: 2026-01-15. Review status: criteria provided, single submitter. Criteria: ACMG Guidelines, 2015. Collection method: clinical testing. Allele origin: germline.
Comment: The RLBP1 c.282delC variant is predicted to result in a frameshift and premature protein termination (p.Phe95Serfs*24). This variant has been reported in the homozygous and compound heterozygous states in individuals with retinal disease (Table S5, Huang et al. 2015. PubMed ID: 25356976; Chen et al. 2020. PubMed ID: 31872526; Table S1, Chen et al. 2021. PubMed ID: 33608557). This variant is present in 0.12% of alleles in individuals of East Asian descent in gnomAD, and has been reported in a carrier screen of the general population (Hanany et al. 2020. PubMed ID: 31964843). Frameshift variants in RLBP1 are an established mechanism of disease. This variant is interpreted as pathogenic for autosomal recessive disease.

GeneDx
Classification: Likely pathogenic. Last evaluated: 2025-04-08. Review status: criteria provided, single submitter. Criteria: GeneDx Variant Classification Process June 2021. Collection method: clinical testing. Allele origin: germline. Affected: yes.
Comment: Frameshift variant predicted to result in protein truncation or nonsense mediated decay in a gene for which loss of function is a known mechanism of disease; This variant is associated with the following publications: (PMID: 31964843, 25429852, 33608557, 31872526, 21447491, 25356976)

SingHealth Duke-NUS Institute of Precision Medicine
Classification: Likely pathogenic for Retinitis pigmentosa. Last evaluated: 2025-02-05. Review status: criteria provided, single submitter. Criteria: PRISM ACMG Classification Criteria. Collection method: clinical testing. Allele origin: germline. Affected: yes.
Comment: Variant is predicted to cause nonsense-mediated decay in a gene where LOF is a known cause of pathogenicity (PVS1). Homozygous allele count in gnomAD exomes and genomes are less than 0 (PM2)

Blueprint Genetics
Classification: Pathogenic for RLBP1-related disorders. Last evaluated: 2024-08-27. Review status: criteria provided, single submitter. Criteria: ACMG Guidelines, 2015. Collection method: clinical testing. Allele origin: germline. Affected: yes. Observed: 4 variant alleles.

Fulgent Genetics
Classification: Pathogenic for Pigmentary retinal dystrophy; Bothnia retinal dystrophy; Newfoundland cone-rod dystrophy. Last evaluated: 2024-06-06. Review status: criteria provided, single submitter. Criteria: ACMG Guidelines, 2015. Collection method: clinical testing. Allele origin: germline.

3billion
Classification: Pathogenic for Newfoundland cone-rod dystrophy. Last evaluated: 2022-05-22. Review status: criteria provided, single submitter. Criteria: ACMG Guidelines, 2015. Collection method: clinical testing. Allele origin: germline. Affected: yes. Observed: 1 heterozygote.
Comment: The variant is observed at an extremely low frequency in the gnomAD v2.1.1 dataset (total allele frequency: 0.008%). Frameshift: predicted to result in a loss or disruption of normal protein function through nonsense-mediated decay (NMD) or protein truncation. Multiple pathogenic variants are reported downstream of the variant. The variant has been reported at least twice as pathogenic without evidence for the classification (ClinVar ID: VCV000844049 / PMID: 25356976). Therefore, this variant is classified as pathogenic according to the recommendation of ACMG/AMP guideline.

Pangenia Genomics, Pangenia Inc.
Classification: Pathogenic for Pigmentary retinal dystrophy. Last evaluated: 2021-11-18. Review status: criteria provided, single submitter. Criteria: ACMG Guidelines, 2015. Collection method: research. Allele origin: germline. Inheritance: Autosomal recessive inheritance. Affected: yes. Observed: 2 homozygotes.
Comment: The RLBP1, c.282delC (p.Phe95Serfs*24)variant is a null variant (frameshift) in a gene where LOF is a known mechanism of disease. There is co-segregation with disease in multiple affected family members in a gene definitively known to cause the disease. This variant is at extremely low frequency in population database; allele frequency in East Asia population is 0.0013 by gnomAD v2.1.1. There is one previous submission of this variant in ClinVar (Variation ID: 844049), rated as Pathogenic.

Juno Genomics, Hangzhou Juno Genomics, Inc
Classification: Pathogenic for Bothnia retinal dystrophy; Pigmentary retinal dystrophy; Newfoundland cone-rod dystrophy. Review status: criteria provided, single submitter. Criteria: ACMG Guidelines, 2015. Collection method: clinical testing. Allele origin: germline. Affected: yes.
Comment: Absent from controls (or at extremely low frequency if recessive) in Genome Aggregation Database.;Null variant in a gene where loss of function (LOF) is a known mechanism of disease.;For recessive disorders, detected in trans with a pathogenic variant.;Patient's phenotype or family history is highly specific for a disease with a single genetic etiology.

Literature cited by the submitters: PubMed 2392416 (cited by Labcorp Genetics (formerly Invitae), Labcorp); PubMed 11301032 (cited by Labcorp Genetics (formerly Invitae), Labcorp); PubMed 21447491 (cited by Labcorp Genetics (formerly Invitae), Labcorp); PubMed 25429852 (cited by Labcorp Genetics (formerly Invitae), Labcorp); PubMed 25356976 (cited by Labcorp Genetics (formerly Invitae), Labcorp and 3billion); PubMed 31872526 (cited by Labcorp Genetics (formerly Invitae), Labcorp).

NM_000326.5(RLBP1):c.282del (p.Phe95fs)

Gene: RLBP1 (retinaldehyde binding protein 1; minus strand). Cytogenetic location: 15q26.1.
Variant type: Deletion.
Coding change: c.282del on transcript NM_000326.5 (MANE Select); coding-DNA position 282, one base deleted (C; older notation c.282delC).
Protein change: p.Phe95fs; shifts the reading frame from phenylalanine 95.
Molecular consequence: frameshift variant.
Genome position (GRCh38, 1-based): chr15:89,217,184, G deleted on the plus strand (C on the coding strand, the reverse complement: RLBP1 is on the minus strand). VCF-style (leftmost placement, unchanged base first): chr15-89217183-AG-A. GRCh37 (hg19) VCF-style: chr15-89760414-AG-A.
Other names: c.282delC (NM_000326.4, NM_000326.5); short protein forms F95fs.
Identifiers: ClinVar variation 844049 (VCV000844049.21), dbSNP rs759505780, ClinGen allele CA7722334.